The following is an entry in ClinVar:

NM_001379286.1(ZNF423):c.1246G>T (p.Val416Phe)

Gene: ZNF423 (zinc finger protein 423; minus strand). Cytogenetic location: 16q12.1.
Variant type: single nucleotide variant.
Coding change: c.1246G>T on transcript NM_001379286.1 (MANE Select); coding-DNA position 1246, G replaced by T.
Protein change: p.Val416Phe; replaces valine 416 with phenylalanine.
Molecular consequence: missense variant.
Genome position (GRCh38, 1-based): chr16:49,637,930, C>A on the plus strand (G>T on the coding strand, the complement: ZNF423 is on the minus strand). VCF-style: chr16-49637930-C-A. GRCh37 (hg19) VCF-style: chr16-49671841-C-A.
Other names: c.1042G>T, p.Val348Phe (NM_001271620.2); c.871G>T, p.Val291Phe (NM_001330533.2); c.1222G>T, p.Val408Phe (NM_015069.5); short protein forms V291F, V348F, V408F, V416F.
Identifiers: ClinVar variation 1019237 (VCV001019237.7), dbSNP rs752582625, ClinGen allele CA8046721.

ClinVar aggregate classification (germline): Uncertain significance (1 of 4 stars; one submission).

Conditions:
Nephronophthisis 14 (NPHP14). Identifiers: Orphanet 2318, MedGen C3539071, MONDO:0013916, OMIM 614844.

Allele frequency attached by ClinVar (database versions not stated): ExAC 0.00001; gnomAD 0.00001; gnomAD exomes 0.00001 and 0.00002; TOPMed 0.00001.
gnomAD v4.1: 32 of 1,614,028 alleles (0.002%); highest among the groups gnomAD compares: Middle Eastern, 0.033%; no homozygotes.

Submission:

Labcorp Genetics (formerly Invitae), Labcorp
Classification: Uncertain significance for Nephronophthisis 14. Last evaluated: 2022-08-21. Review status: criteria provided, single submitter. Criteria: Invitae Variant Classification Sherloc (09022015). Collection method: clinical testing. Allele origin: germline.
Comment: Algorithms developed to predict the effect of missense changes on protein structure and function are either unavailable or do not agree on the potential impact of this missense change (SIFT: "Deleterious"; PolyPhen-2: "Benign"; Align-GVGD: "Class C0"). In summary, the available evidence is currently insufficient to determine the role of this variant in disease. Therefore, it has been classified as a Variant of Uncertain Significance. ClinVar contains an entry for this variant (Variation ID: 1019237). This variant has not been reported in the literature in individuals affected with ZNF423-related conditions. This variant is present in population databases (rs752582625, gnomAD 0.003%). This sequence change replaces valine, which is neutral and non-polar, with phenylalanine, which is neutral and non-polar, at codon 408 of the ZNF423 protein (p.Val408Phe).